The following is an entry in ClinVar:

NM_206933.4(USH2A):c.5933del (p.Pro1978fs)

Gene: USH2A (usherin; minus strand). Cytogenetic location: 1q41.
Variant type: Deletion.
Coding change: c.5933del on transcript NM_206933.4 (MANE Select); coding-DNA position 5933, one base deleted (C; older notation c.5933delC).
Protein change: p.Pro1978fs; shifts the reading frame from proline 1978.
Molecular consequence: frameshift variant.
Genome position (GRCh38, 1-based): chr1:216,070,217, G deleted on the plus strand (C on the coding strand, the reverse complement: USH2A is on the minus strand); the first of 2 consecutive G bases (chr1:216,070,217-216,070,218); deleting either gives the same sequence. VCF-style (leftmost placement, unchanged base first): chr1-216070216-AG-A. GRCh37 (hg19) VCF-style: chr1-216243558-AG-A.
Other names: c.5933delC (NM_206933.4); c.5933del (NM_206933.2); short protein forms P1978fs.
Identifiers: ClinVar variation 2679440 (VCV002679440.7), dbSNP rs1053812278, ClinGen allele CA37476367.

ClinVar aggregate classification (germline): Pathogenic/Likely pathogenic. Review status: criteria provided, multiple submitters, no conflicts (2 of 4 stars). 5 submissions from 5 submitters: Pathogenic (2); Likely pathogenic (3). Last evaluated 2025-09-16.

Conditions:
Retinal dystrophy. Also called: Inherited retinal dystrophy. Identifiers: Orphanet 71862, MedGen C0854723, MeSH D058499, MONDO:0019118, HP:0000556.
USH2A-related disorder. Also called: USH2A-related condition; USH2A-related disorders. Identifiers: MedGen CN239332.
Retinitis pigmentosa 39 (RP39). Identifiers: Orphanet 791, MedGen C3151138, MONDO:0013436, OMIM 613809.
Usher syndrome type 2A. Also called: USHER SYNDROME, TYPE IIA; RETINAL DISEASE IN USHER SYNDROME TYPE IIA, MODIFIER OF. Identifiers: Orphanet 231178, Orphanet 886, MedGen C1848634, MONDO:0010169, OMIM 276901.

Submissions (5):

Natera, Inc.
Classification: Likely pathogenic for Usher syndrome type 2A. Last evaluated: 2025-09-16. Review status: criteria provided, single submitter. Criteria: Natera Variant Classification Schema (03/2026). Collection method: clinical testing. Allele origin: germline.
Comment: The c.5933del variant in USH2A is a frameshift variant predicted to shift the reading frame beginning at codon 1978 and leads to a stop codon 6 codons downstream. This variant is expected to result in nonsense mediated decay, truncation, or a dysfunctional protein product. This variant is rare in the general population with a frequency below the threshold expected for the associated phenotype(s). Given the available evidence, this variant is classified as Likely Pathogenic.

Labcorp Genetics (formerly Invitae), Labcorp
Classification: Pathogenic. Last evaluated: 2023-12-30. Review status: criteria provided, single submitter. Criteria: Invitae Variant Classification Sherloc (09022015). Collection method: clinical testing. Allele origin: germline.
Comment: This sequence change creates a premature translational stop signal (p.Pro1978Leufs*6) in the USH2A gene. It is expected to result in an absent or disrupted protein product. Loss-of-function variants in USH2A are known to be pathogenic (PMID: 10729113, 10909849, 20507924, 25649381). This variant is not present in population databases (gnomAD no frequency). This variant has not been reported in the literature in individuals affected with USH2A-related conditions. For these reasons, this variant has been classified as Pathogenic.

Baylor Genetics
Classification: Likely pathogenic for Retinitis pigmentosa 39. Last evaluated: 2023-10-20. Review status: criteria provided, single submitter. Criteria: ACMG Guidelines, 2015. Collection method: clinical testing. Allele origin: unknown.

Dept Of Ophthalmology, Nagoya University
Classification: Pathogenic for Retinal dystrophy. Last evaluated: 2023-10-01. Review status: criteria provided, single submitter. Criteria: Submitter's publication. Collection method: research. Allele origin: germline. Affected: yes.

Blueprint Genetics
Classification: Likely pathogenic for USH2A-related disorders. Last evaluated: 2022-11-07. Review status: criteria provided, single submitter. Criteria: ACMG Guidelines, 2015. Collection method: clinical testing. Allele origin: germline. Affected: yes. Observed: 2 variant alleles.

Literature cited by the submitters: PubMed 10729113 (cited by Labcorp Genetics (formerly Invitae), Labcorp); PubMed 10909849 (cited by Labcorp Genetics (formerly Invitae), Labcorp); PubMed 20507924 (cited by Labcorp Genetics (formerly Invitae), Labcorp); PubMed 25649381 (cited by Labcorp Genetics (formerly Invitae), Labcorp).